The following is an entry in ClinVar:

NM_002691.4(POLD1):c.1541A>G (p.Lys514Arg)

Gene: POLD1 (DNA polymerase delta 1, catalytic subunit; plus strand). Cytogenetic location: 19q13.33.
Variant type: single nucleotide variant.
Coding change: c.1541A>G on transcript NM_002691.4 (MANE Select); coding-DNA position 1541, A replaced by G.
Protein change: p.Lys514Arg; replaces lysine 514 with arginine.
Molecular consequence: missense variant. On other transcripts: non-coding transcript variant (1).
Genome position (GRCh38, 1-based): chr19:50,407,029, A>G. VCF-style: chr19-50407029-A-G. GRCh37 (hg19) VCF-style: chr19-50910286-A-G.
Other names: c.1541A>G, p.Lys514Arg (NM_001256849.1, NM_001308632.1); short protein forms K514R.
Identifiers: ClinVar variation 1495109 (VCV001495109.8), dbSNP rs2122337068, ClinGen allele CA406980835.
Genomic context (GRCh38, chr19:50,407,029, plus strand): 5'-GTGCCCATCCCCAGAATGGGAACGACCAGACCCGCCGCCGCCTGGCTGTGTACTGCCTGA[A>G]GGATGCCTACCTGCCACTGCGGCTGCTGGAGCGGCTCATGGTGCTGGTGAACGCCGTGGA-3'
Protein context (NP_002682.2, residues 504-524): TRRRLAVYCL[Lys514Arg]DAYLPLRLLE

ClinVar aggregate classification (germline): Uncertain significance (1 of 4 stars; one submission).

Conditions:
POLD1-related polyposis and colorectal cancer syndrome (CRCS10). Also called: Colorectal cancer 10; COLORECTAL CANCER, SUSCEPTIBILITY TO, ON CHROMOSOME 19q; Colorectal cancer, susceptibility to, 10. Identifiers: Orphanet 220460, MedGen C2675481, MONDO:0012953, OMIM 612591.

Allele frequency attached by ClinVar (database versions not stated): gnomAD exomes below 0.00001.
gnomAD v4.1: 2 of 1,613,560 alleles (0.00012%); highest among the groups gnomAD compares: African/African-American, 0.0013%; no homozygotes.

Submission:

Labcorp Genetics (formerly Invitae), Labcorp
Classification: Uncertain significance for POLD1-related polyposis and colorectal cancer syndrome. Last evaluated: 2021-03-02. Review status: criteria provided, single submitter. Criteria: Invitae Variant Classification Sherloc (09022015). Collection method: clinical testing. Allele origin: germline.
Comment: This sequence change replaces lysine with arginine at codon 514 of the POLD1 protein (p.Lys514Arg). The lysine residue is highly conserved and there is a small physicochemical difference between lysine and arginine. In summary, the available evidence is currently insufficient to determine the role of this variant in disease. Therefore, it has been classified as a Variant of Uncertain Significance. Algorithms developed to predict the effect of missense changes on protein structure and function are either unavailable or do not agree on the potential impact of this missense change (SIFT: "Deleterious"; PolyPhen-2: "Benign"; Align-GVGD: "Class C0"). This variant has not been reported in the literature in individuals with POLD1-related conditions. This variant is not present in population databases (ExAC no frequency).